The following is an entry in ClinVar:

ClinVar aggregate classification (germline): Uncertain significance (1 of 4 stars; one submission).

Conditions:
Lafora disease. Also called: Epilepsy progressive myoclonic 2; Progressive Myoclonus Epilepsy, Lafora Type. Identifiers: Orphanet 501, MedGen C0751783, MONDO:0009697.

Submission:

Labcorp Genetics (formerly Invitae), Labcorp
Classification: Uncertain significance for Lafora disease. Last evaluated: 2020-02-22. Review status: criteria provided, single submitter. Criteria: Invitae Variant Classification Sherloc (09022015). Collection method: clinical testing. Allele origin: germline.
Comment: In summary, the available evidence is currently insufficient to determine the role of this variant in disease. Therefore, it has been classified as a Variant of Uncertain Significance. Algorithms developed to predict the effect of missense changes on protein structure and function (SIFT, PolyPhen-2, Align-GVGD) all suggest that this variant is likely to be tolerated, but these predictions have not been confirmed by published functional studies and their clinical significance is uncertain. This variant has not been reported in the literature in individuals with NHLRC1-related conditions. This variant is not present in population databases (ExAC no frequency). This sequence change replaces proline with arginine at codon 108 of the NHLRC1 protein (p.Pro108Arg). The proline residue is moderately conserved and there is a moderate physicochemical difference between proline and arginine.

NM_198586.3(NHLRC1):c.323C>G (p.Pro108Arg)

Gene: NHLRC1 (NHL repeat containing E3 ubiquitin protein ligase 1; minus strand). Cytogenetic location: 6p22.3.
Variant type: single nucleotide variant.
Coding change: c.323C>G on transcript NM_198586.3 (MANE Select); coding-DNA position 323, C replaced by G.
Protein change: p.Pro108Arg; replaces proline 108 with arginine.
Molecular consequence: missense variant.
Genome position (GRCh38, 1-based): chr6:18,122,284, G>C on the plus strand (C>G on the coding strand, the complement: NHLRC1 is on the minus strand). VCF-style: chr6-18122284-G-C. GRCh37 (hg19) VCF-style: chr6-18122515-G-C.
Other names: short protein forms P108R.
Identifiers: ClinVar variation 952088 (VCV000952088.10), dbSNP rs1783752059, ClinGen allele CA362828840.